The following is an entry in ClinVar:

NM_002075.4(GNB3):c.140_141insCACGGC (p.Thr47_Arg48insThrAla)

Gene: GNB3 (G protein subunit beta 3; plus strand). Cytogenetic location: 12p13.31.
Variant type: Insertion.
Coding change: c.140_141insCACGGC on transcript NM_002075.4 (MANE Select); coding-DNA positions 140 to 141, CACGGC inserted.
Protein change: p.Thr47_Arg48insThrAla.
Molecular consequence: inframe insertion.
Genome position: GRCh38 VCF-style: chr12-6843012-A-ACCACGG. GRCh37 (hg19) VCF-style: chr12-6952176-A-ACCACGG.
Other names: c.140_141insCACGGC, p.Thr47_Arg48insThrAla (NM_001297571.2).
Identifiers: ClinVar variation 2825247 (VCV002825247.3), dbSNP rs2496601881, ClinGen allele CA2739271842.

ClinVar aggregate classification (germline): Uncertain significance (1 of 4 stars; one submission).

Submission:

Labcorp Genetics (formerly Invitae), Labcorp
Classification: Uncertain significance. Last evaluated: 2023-01-11. Review status: criteria provided, single submitter. Criteria: Invitae Variant Classification Sherloc (09022015). Collection method: clinical testing. Allele origin: germline.
Comment: This variant is not present in population databases (gnomAD no frequency). This variant, c.140_141insCACGGC, results in the insertion of 2 amino acid(s) of the GNB3 protein (p.Thr47_Arg48insThrAla), but otherwise preserves the integrity of the reading frame. This variant has not been reported in the literature in individuals affected with GNB3-related conditions. In summary, the available evidence is currently insufficient to determine the role of this variant in disease. Therefore, it has been classified as a Variant of Uncertain Significance.